The following is an entry in ClinVar:

ClinVar aggregate classification (germline): Uncertain significance. Review status: criteria provided, single submitter (1 of 4 stars). 2 submissions from 2 submitters: Uncertain significance (1). 1 of the submissions does not count toward it. Last evaluated 2023-06-14.

Conditions:
SLC35A2-congenital disorder of glycosylation. Also called: SLC35A2-CDG; EPILEPTIC ENCEPHALOPATHY, EARLY INFANTILE, 22; CONGENITAL DISORDER OF GLYCOSYLATION, TYPE IIm; CDG IIm; CONGENITAL DISORDER OF GLYCOSYLATION, TYPE IIm, SOMATIC MOSAIC; DEVELOPMENTAL AND EPILEPTIC ENCEPHALOPATHY 22. Identifiers: Orphanet 356961, MedGen C3806688, MONDO:0010478, OMIM 300896.
Autism (AUTS). Also called: Autistic disorder of childhood onset; Autistic disorder. Identifiers: MedGen C0004352, MeSH D001321, MONDO:0005260, OMIM 209850, HP:0000717.

Submissions (2):

Labcorp Genetics (formerly Invitae), Labcorp
Classification: Uncertain significance for SLC35A2-congenital disorder of glycosylation. Last evaluated: 2023-06-14. Review status: criteria provided, single submitter. Criteria: Invitae Variant Classification Sherloc (09022015). Collection method: clinical testing. Allele origin: germline.
Comment: This variant is present in population databases (rs782347244, gnomAD 0.008%), including at least one homozygous and/or hemizygous individual. This sequence change replaces glycine, which is neutral and non-polar, with arginine, which is basic and polar, at codon 357 of the SLC35A2 protein (p.Gly357Arg). This variant has not been reported in the literature in individuals affected with SLC35A2-related conditions. Advanced modeling of protein sequence and biophysical properties (such as structural, functional, and spatial information, amino acid conservation, physicochemical variation, residue mobility, and thermodynamic stability) has been performed at Invitae for this missense variant, however the output from this modeling did not meet the statistical confidence thresholds required to predict the impact of this variant on SLC35A2 protein function. In summary, the available evidence is currently insufficient to determine the role of this variant in disease. Therefore, it has been classified as a Variant of Uncertain Significance.

Centre for Addiction & Mental Health
Classification: Uncertain significance for Autism. Review status: no assertion criteria provided. Collection method: research. Allele origin: de novo. Affected: yes. Observed: 1 hemizygote. Segregation with disease observed. Not counted in ClinVar's aggregate classification.

NM_005660.3(SLC35A2):c.1069G>C (p.Gly357Arg)

Gene: SLC35A2 (solute carrier family 35 member A2; minus strand). Cytogenetic location: Xp11.23.
Variant type: single nucleotide variant.
Coding change: c.1069G>C on transcript NM_005660.3 (MANE Select); coding-DNA position 1069, G replaced by C.
Protein change: p.Gly357Arg; replaces glycine 357 with arginine.
Molecular consequence: missense variant.
Genome position (GRCh38, 1-based): chrX:48,904,840, C>G on the plus strand (G>C on the coding strand, the complement: SLC35A2 is on the minus strand). VCF-style: chrX-48904840-C-G. GRCh37 (hg19) VCF-style: chrX-48762117-C-G.
Other names: c.479G>C, p.Arg160Pro (NM_001032289.3, NM_001282647.2); c.1069G>C, p.Gly357Arg (NM_001042498.3); c.407G>C, p.Arg136Pro (NM_001282648.2); c.886G>C, p.Gly296Arg (NM_001282649.2); c.1108G>C, p.Gly370Arg (NM_001282650.2); c.1153G>C, p.Gly385Arg (NM_001282651.2); short protein forms G296R, G357R, G370R, G385R, R136P, R160P.
Identifiers: ClinVar variation 2579713 (VCV002579713.4), dbSNP rs782347244, ClinGen allele CA10406062.
Genomic context (GRCh38, chrX:48,904,840, plus strand): 5'-GGTGGGAAGACAGCTGCGGTGGTGGTGGCTGCCCGGGAGGCTGCTGGTGAACGCAGGGCC[C>G]GGAGGCGGAGGCAGAGGCAGAGGCTATGGCTTTGGCTGCACCTCGGGGAAGGCTGTAGAG-3'
Protein context (NP_005651.1, residues 347-367): AIASASASAS[Gly357Arg]PCVHQQPPGQ